The following is an entry in ClinVar:

ClinVar aggregate classification (germline): Likely pathogenic (1 of 4 stars; one submission).

Conditions:
Breast-ovarian cancer, familial, susceptibility to, 4. Identifiers: Orphanet 145, MedGen C3280345, MONDO:0013669, OMIM 614291.

Submission:

Labcorp Genetics (formerly Invitae), Labcorp
Classification: Likely pathogenic for Breast-ovarian cancer, familial, susceptibility to, 4. Last evaluated: 2017-03-22. Review status: criteria provided, single submitter. Criteria: Invitae Variant Classification Sherloc (09022015). Collection method: clinical testing. Allele origin: germline.
Comment: In summary, this variant is a rare frameshift variant that is expected to disrupt an important functional domain of the RAD51D protein. This evidence indicates that the variant is pathogenic, but additional data is needed to prove that conclusively. Therefore, this variant has been classified as Likely Pathogenic. This frameshift is expected to partially disrupt the C-terminus of the ATPase domain of the RAD51D protein (PMID: 14704354, 19327148, 21111057), which is required for interacting with RAD51C to assist DNA repair activity (PMID: 14704354, 19327148). While functional studies have not been reported for this particular variant, a truncating variant in the C- terminal region was found to segregate in three family members with ovarian cancer and family history of ovarian and breast cancers (Invitae database), suggesting that disruption of this region of the RAD51D protein is causative of disease. This variant is not present in population databases (ExAC no frequency) and has not been reported in the literature in individuals with a RAD51D-related disease. This sequence change inserts 1 nucleotide in exon 8 of the RAD51D mRNA (c.728dupT), causing a frameshift at codon 243. This creates a premature translational stop signal in the last exon of the RAD51D mRNA (p.Met243Ilefs*84). While this is not anticipated to result in nonsense mediated decay, it is expected to disrupt the last 86 amino acids of the RAD51D protein.

Literature cited by the submitters: PubMed 14704354; PubMed 19327148; PubMed 21111057.

NM_002878.4(RAD51D):c.728dup (p.Met243fs)

Genes: RAD51D (RAD51 paralog D; minus strand), RAD51L3-RFFL (RAD51L3-RFFL readthrough; minus strand). Cytogenetic location: 17q12.
Variant type: Duplication.
Coding change: c.728dup on transcript NM_002878.4 (MANE Select); coding-DNA position 728, one base duplicated (T; older notation c.728dupT).
Protein change: p.Met243fs; shifts the reading frame from methionine 243.
Molecular consequence: frameshift variant. On other transcripts: non-coding transcript variant (3).
Genome position (GRCh38, 1-based): chr17:35,103,264, A duplicated on the plus strand (T on the coding strand, the reverse complement: RAD51D is on the minus strand). VCF-style (leftmost placement, unchanged base first): chr17-35103263-C-CA. GRCh37 (hg19) VCF-style: chr17-33430282-C-CA.
Other names: c.788dup, p.Met263fs (NM_001142571.2); c.392dup, p.Met131fs (NM_133629.3); c.728dupT (NM_002878.3); short protein forms M263fs, M131fs, M243fs.
Identifiers: ClinVar variation 410560 (VCV000410560.5), dbSNP rs1060502958, ClinGen allele CA16615598.